The following is an entry in ClinVar:

NM_002439.5(MSH3):c.1537T>G (p.Phe513Val)

Gene: MSH3 (mutS homolog 3; plus strand). Cytogenetic location: 5q14.1.
Variant type: single nucleotide variant.
Coding change: c.1537T>G on transcript NM_002439.5 (MANE Select); coding-DNA position 1537, T replaced by G.
Protein change: p.Phe513Val; replaces phenylalanine 513 with valine.
Molecular consequence: missense variant.
Genome position (GRCh38, 1-based): chr5:80,728,934, T>G. VCF-style: chr5-80728934-T-G. GRCh37 (hg19) VCF-style: chr5-80024753-T-G.
Other names: short protein forms F513V.
Identifiers: ClinVar variation 4076941 (VCV004076941.1).

ClinVar aggregate classification (germline): Uncertain significance (1 of 4 stars; one submission).

Submission:

GeneDx
Classification: Uncertain significance. Last evaluated: 2025-02-24. Review status: criteria provided, single submitter. Criteria: GeneDx Variant Classification Process June 2021. Collection method: clinical testing. Allele origin: germline. Affected: yes.
Comment: Not observed at significant frequency in large population cohorts (gnomAD); In silico analysis supports that this missense variant has a deleterious effect on protein structure/function; Has not been previously published as pathogenic or benign to our knowledge